The following is an entry in ClinVar:

NM_000388.4(CASR):c.956G>A (p.Gly319Glu)

Gene: CASR (calcium sensing receptor; plus strand). Cytogenetic location: 3q21.1.
Variant type: single nucleotide variant.
Coding change: c.956G>A on transcript NM_000388.4 (MANE Select); coding-DNA position 956, G replaced by A.
Protein change: p.Gly319Glu; replaces glycine 319 with glutamic acid.
Molecular consequence: missense variant.
Genome position (GRCh38, 1-based): chr3:122,261,991, G>A. VCF-style: chr3-122261991-G-A. GRCh37 (hg19) VCF-style: chr3-121980838-G-A.
Other names: c.956G>A, p.Gly319Glu (NM_001178065.2); short protein forms G319E.
Identifiers: ClinVar variation 1053263 (VCV001053263.10), dbSNP rs2107632608, ClinGen allele CA354151770.

ClinVar aggregate classification (germline): Conflicting classifications of pathogenicity. Review status: criteria provided, conflicting classifications (1 of 4 stars). 2 submissions from 2 submitters: Likely pathogenic (1); Uncertain significance (1). Last evaluated 2026-09-01.

Conditions:
Familial hypocalciuric hypercalcemia (FHH). Also called: Familial benign hypercalcemia. Identifiers: Orphanet 405, MedGen C1809471, MONDO:0018458.
Autosomal dominant hypocalcemia 1 (HYPOC1). Also called: HYPOCALCEMIA, FAMILIAL. Identifiers: MedGen C3715128, MONDO:0011013, OMIM 601198.
Familial hyperparathyroidism or Hypocalciuric hypercalcaemia.

Submissions (2):

Cambridge Genomics Laboratory, East Genomic Laboratory Hub, NHS Genomic Medicine Service
Classification: Likely pathogenic for Familial hyperparathyroidism or Hypocalciuric hypercalcaemia. Last evaluated: 2026-09-01. Review status: criteria provided, single submitter. Criteria: ACGS Best Practice Guidelines for Variant Classification in Rare Disease 2020. Collection method: clinical testing. Allele origin: germline. Affected: yes.
Comment: PM1_Supporting,PM2,PM5_Supporting,PP3,PP4

Labcorp Genetics (formerly Invitae), Labcorp
Classification: Uncertain significance for Familial hypocalciuric hypercalcemia; Autosomal dominant hypocalcemia 1. Last evaluated: 2020-07-19. Review status: criteria provided, single submitter. Criteria: Invitae Variant Classification Sherloc (09022015). Collection method: clinical testing. Allele origin: germline.
Comment: Algorithms developed to predict the effect of missense changes on protein structure and function (SIFT, PolyPhen-2, Align-GVGD) all suggest that this variant is likely to be disruptive, but these predictions have not been confirmed by published functional studies and their clinical significance is uncertain. This sequence change replaces glycine with glutamic acid at codon 319 of the CASR protein (p.Gly319Glu). The glycine residue is highly conserved and there is a moderate physicochemical difference between glycine and glutamic acid. This variant is not present in population databases (ExAC no frequency). This variant has not been reported in the literature in individuals with CASR-related conditions. In summary, the available evidence is currently insufficient to determine the role of this variant in disease. Therefore, it has been classified as a Variant of Uncertain Significance.